The following is an entry in ClinVar:

NM_000302.4(PLOD1):c.776G>A (p.Arg259His)

Gene: PLOD1 (procollagen-lysine,2-oxoglutarate 5-dioxygenase 1; plus strand). Cytogenetic location: 1p36.22.
Variant type: single nucleotide variant.
Coding change: c.776G>A on transcript NM_000302.4 (MANE Select); coding-DNA position 776, G replaced by A.
Protein change: p.Arg259His; replaces arginine 259 with histidine.
Molecular consequence: missense variant.
Genome position (GRCh38, 1-based): chr1:11,957,876, G>A. VCF-style: chr1-11957876-G-A. GRCh37 (hg19) VCF-style: chr1-12017933-G-A.
Other names: c.917G>A, p.Arg306His (NM_001316320.2); short protein forms R259H, R306H.
Identifiers: ClinVar variation 459826 (VCV000459826.24), dbSNP rs144226170, ClinGen allele CA598134.

ClinVar aggregate classification (germline): Conflicting classifications of pathogenicity. Review status: criteria provided, conflicting classifications (1 of 4 stars). 5 submissions from 5 submitters: Uncertain significance (1); Likely benign (3). 1 of the submissions does not count toward it. Last evaluated 2026-05-04.

Conditions:
PLOD1-related disorder. Also called: PLOD1-related condition.
Familial thoracic aortic aneurysm and aortic dissection (TAAD). Also called: Thoracic aortic aneurysms and dissections. Identifiers: Orphanet 91387, MedGen C4707243, MONDO:0019625.
Ehlers-Danlos syndrome, kyphoscoliotic type 1 (EDSKSCL1). Also called: Ehlers-Danlos syndrome, hydroxylysine-deficient; EHLERS-DANLOS SYNDROME, TYPE VIA; EHLERS-DANLOS SYNDROME, OCULAR-SCOLIOTIC TYPE; PLOD1-Related Kyphoscoliotic Ehlers-Danlos Syndrome. Identifiers: Orphanet 1900, MedGen C0268342, MONDO:0016002, OMIM 225400. Disease mechanism: loss of function.

Allele frequency attached by ClinVar (database versions not stated): gnomAD 0.00070 and 0.00076; ExAC 0.00021; ESP Exome Variant Server 0.00077; TOPMed 0.00094; gnomAD exomes 0.00020.
gnomAD v4.1: 250 of 1,613,976 alleles (0.015%); highest among the groups gnomAD compares: African/African-American, 0.24%; no homozygotes.

Submissions (5):

Women's Health and Genetics/Laboratory Corporation of America, LabCorp
Classification: Likely benign. Last evaluated: 2026-05-04. Review status: criteria provided, single submitter. Criteria: LabCorp Variant Classification Summary - May 2015. Collection method: clinical testing. Allele origin: germline.
Comment: Variant summary: PLOD1 c.776G>A (p.Arg259His) results in a non-conservative amino acid change in the encoded protein sequence. Algorithms developed to predict the effect of missense changes on protein structure and function are either unavailable or do not agree on the potential impact of this missense change. The variant allele was found at a frequency of 0.0002 in 251478 control chromosomes, predominantly at a frequency of 0.0026 within the African or African-American subpopulation in the gnomAD database. The observed variant frequency within African or African-American control individuals in the gnomAD database exceeds the estimated maximal expected allele frequency for disease-causing variants in PLOD1. To our knowledge, no occurrence of c.776G>A in individuals affected with PLOD1-related conditions and no experimental evidence demonstrating its impact on protein function have been reported. ClinVar contains an entry for this variant (Variation ID: 459826). Based on the evidence outlined above, the variant was classified as likely benign.

Labcorp Genetics (formerly Invitae), Labcorp
Classification: Likely benign for Ehlers-Danlos syndrome, kyphoscoliotic type 1. Last evaluated: 2026-01-27. Review status: criteria provided, single submitter. Criteria: Invitae Variant Classification Sherloc (09022015). Collection method: clinical testing. Allele origin: germline.

Ambry Genetics
Classification: Uncertain significance for Familial thoracic aortic aneurysm and aortic dissection. Last evaluated: 2025-08-12. Review status: criteria provided, single submitter. Criteria: Ambry Variant Classification Scheme 2023. Collection method: clinical testing. Allele origin: germline.
Comment: The p.R259H variant (also known as c.776G>A), located in coding exon 8 of the PLOD1 gene, results from a G to A substitution at nucleotide position 776. The arginine at codon 259 is replaced by histidine, an amino acid with highly similar properties. This amino acid position is not well conserved in available vertebrate species. In addition, this alteration is predicted to be tolerated by in silico analysis. Since supporting evidence is limited at this time, the clinical significance of this alteration remains unclear.

GeneDx
Classification: Likely benign. Last evaluated: 2020-05-28. Review status: criteria provided, single submitter. Criteria: GeneDx Variant Classification Process June 2021. Collection method: clinical testing. Allele origin: germline. Affected: yes.
Comment: Has not been previously published as pathogenic or benign to our knowledge; In silico analysis, which includes protein predictors and evolutionary conservation, supports that this variant does not alter protein structure/function; Reported in ClinVar but additional evidence is not available (ClinVar Variant ID# 459826; Landrum et al., 2016)

PreventionGenetics, part of Exact Sciences
Classification: Likely benign for PLOD1-related condition. Last evaluated: 2023-01-17. Review status: no assertion criteria provided. Collection method: clinical testing. Allele origin: germline. Not counted in ClinVar's aggregate classification.
Comment: This variant is classified as likely benign based on ACMG/AMP sequence variant interpretation guidelines (Richards et al. 2015 PMID: 25741868, with internal and published modifications).